The following is an entry in ClinVar:

NM_014249.4(NR2E3):c.516C>A (p.His172Gln)

Gene: NR2E3 (nuclear receptor subfamily 2 group E member 3; plus strand). Cytogenetic location: 15q23.
Variant type: single nucleotide variant.
Coding change: c.516C>A on transcript NM_014249.4 (MANE Select); coding-DNA position 516, C replaced by A.
Protein change: p.His172Gln; replaces histidine 172 with glutamine.
Molecular consequence: missense variant.
Genome position (GRCh38, 1-based): chr15:71,812,121, C>A. VCF-style: chr15-71812121-C-A. GRCh37 (hg19) VCF-style: chr15-72104461-C-A.
Other names: c.516C>A, p.His172Gln (NM_016346.4); short protein forms H172Q.
Identifiers: ClinVar variation 991930 (VCV000991930.7), dbSNP rs1382603219, ClinGen allele CA393034848.

ClinVar aggregate classification (germline): Uncertain significance. Review status: criteria provided, multiple submitters, no conflicts (2 of 4 stars). 3 submissions from 3 submitters: Uncertain significance (2). 1 of the submissions does not count toward it. Last evaluated 2025-01-06.

Conditions:
Goldmann-Favre syndrome. Identifiers: Orphanet 53540, MedGen C0339541, MONDO:0100289.

Allele frequency attached by ClinVar (database versions not stated): gnomAD exomes below 0.00001 and 0.00001; gnomAD 0.00003 and 0.00004; TOPMed 0.00003.
gnomAD v4.1: 9 of 1,559,644 alleles (0.00058%); highest among the groups gnomAD compares: African/African-American, 0.012%; no homozygotes.

Submissions (3):

Labcorp Genetics (formerly Invitae), Labcorp
Classification: Uncertain significance. Last evaluated: 2025-01-06. Review status: criteria provided, single submitter. Criteria: Invitae Variant Classification Sherloc (09022015). Collection method: clinical testing. Allele origin: germline.
Comment: This sequence change replaces histidine, which is basic and polar, with glutamine, which is neutral and polar, at codon 172 of the NR2E3 protein (p.His172Gln). The frequency data for this variant in the population databases is considered unreliable, as metrics indicate poor data quality at this position in the gnomAD database. This variant has not been reported in the literature in individuals affected with NR2E3-related conditions. ClinVar contains an entry for this variant (Variation ID: 991930). Invitae Evidence Modeling of protein sequence and biophysical properties (such as structural, functional, and spatial information, amino acid conservation, physicochemical variation, residue mobility, and thermodynamic stability) indicates that this missense variant is not expected to disrupt NR2E3 protein function with a negative predictive value of 80%. In summary, the available evidence is currently insufficient to determine the role of this variant in disease. Therefore, it has been classified as a Variant of Uncertain Significance.

Blueprint Genetics
Classification: Uncertain significance. Last evaluated: 2020-09-02. Review status: criteria provided, single submitter. Criteria: ACMG Guidelines, 2015. Collection method: clinical testing. Allele origin: germline.

Natera, Inc.
Classification: Uncertain significance for Goldmann-Favre syndrome. Last evaluated: 2020-04-17. Review status: no assertion criteria provided. Collection method: clinical testing. Allele origin: germline. Not counted in ClinVar's aggregate classification.